The following is an entry in ClinVar:

NM_014629.4(ARHGEF10):c.110A>G (p.Asp37Gly)

Gene: ARHGEF10 (Rho guanine nucleotide exchange factor 10; plus strand). Cytogenetic location: 8p23.3.
Variant type: single nucleotide variant.
Coding change: c.110A>G on transcript NM_014629.4 (MANE Select); coding-DNA position 110, A replaced by G.
Protein change: p.Asp37Gly; replaces aspartic acid 37 with glycine.
Molecular consequence: missense variant.
Genome position (GRCh38, 1-based): chr8:1,858,032, A>G. VCF-style: chr8-1858032-A-G. GRCh37 (hg19) VCF-style: chr8-1806198-A-G.
Other names: c.110A>G, p.Asp37Gly (NM_001308152.2, NM_001308153.3); short protein forms D37G, D61G.
Identifiers: ClinVar variation 1357603 (VCV001357603.6), dbSNP rs759503562, ClinGen allele CA4599590.

ClinVar aggregate classification (germline): Uncertain significance (1 of 4 stars; one submission).

Allele frequency attached by ClinVar (database versions not stated): gnomAD exomes below 0.00001; ExAC 0.00001; gnomAD 0.00002 and 0.00003; TOPMed 0.00003.
gnomAD v4.1: 5 of 1,614,040 alleles (0.00031%); highest among the groups gnomAD compares: African/African-American, 0.0053%; no homozygotes.

Submission:

Labcorp Genetics (formerly Invitae), Labcorp
Classification: Uncertain significance. Last evaluated: 2021-09-08. Review status: criteria provided, single submitter. Criteria: Invitae Variant Classification Sherloc (09022015). Collection method: clinical testing. Allele origin: germline.
Comment: In summary, the available evidence is currently insufficient to determine the role of this variant in disease. Therefore, it has been classified as a Variant of Uncertain Significance. Algorithms developed to predict the effect of sequence changes on RNA splicing suggest that this variant may create or strengthen a splice site. Algorithms developed to predict the effect of missense changes on protein structure and function are either unavailable or do not agree on the potential impact of this missense change (SIFT: "Tolerated"; PolyPhen-2: "Probably Damaging"; Align-GVGD: "Class C0"). This variant has not been reported in the literature in individuals affected with ARHGEF10-related conditions. This variant is present in population databases (rs759503562, ExAC 0.01%). This sequence change replaces aspartic acid with glycine at codon 37 of the ARHGEF10 protein (p.Asp37Gly). The aspartic acid residue is moderately conserved and there is a moderate physicochemical difference between aspartic acid and glycine.